The following is an entry in ClinVar:

ClinVar aggregate classification (germline): Benign. Review status: criteria provided, multiple submitters, no conflicts (2 of 4 stars). 6 submissions from 6 submitters: Benign (6). Last evaluated 2026-02-02.

Conditions:
Methylmalonic acidemia with homocystinuria, type cblX (MAHCX). Also called: INTELLECTUAL DEVELOPMENTAL DISORDER, X-LINKED 3. Identifiers: Orphanet 369962, MedGen C0796208, MONDO:0010657, OMIM 309541.

Allele frequency attached by ClinVar (database versions not stated): gnomAD 0.04847; ESP Exome Variant Server 0.05610; TOPMed 0.05829; 1000 Genomes Project 0.05881; 1000 Genomes Project 30x 0.06015.
gnomAD v4.1: 14,705 of 1,202,025 alleles (1.2%); highest among the groups gnomAD compares: African/African-American, 16%; 618 homozygotes.

Submissions (6):

Labcorp Genetics (formerly Invitae), Labcorp
Classification: Benign for Methylmalonic acidemia with homocystinuria, type cblX. Last evaluated: 2026-02-02. Review status: criteria provided, single submitter. Criteria: Invitae Variant Classification Sherloc (09022015). Collection method: clinical testing. Allele origin: germline.

Women's Health and Genetics/Laboratory Corporation of America, LabCorp
Classification: Benign. Last evaluated: 2025-11-14. Review status: criteria provided, single submitter. Criteria: LabCorp Variant Classification Summary - May 2015. Collection method: clinical testing. Allele origin: germline.

Mayo Clinic Laboratories, Mayo Clinic
Classification: Benign. Last evaluated: 2021-04-07. Review status: criteria provided, single submitter. Criteria: ACMG Guidelines, 2015. Collection method: clinical testing. Allele origin: germline. Observed: 4 variant alleles.

Eurofins Ntd Llc (ga)
Classification: Benign. Last evaluated: 2016-03-31. Review status: criteria provided, single submitter. Criteria: EGL Classification Definitions 2015. Collection method: clinical testing. Allele origin: germline. Observed: 2 variant alleles, 1 heterozygote, 1 hemizygote.

GeneDx
Classification: Benign. Last evaluated: 2016-02-15. Review status: criteria provided, single submitter. Criteria: GeneDx Variant Classification (06012015). Collection method: clinical testing. Allele origin: germline. Affected: yes.
Comment: This variant is considered likely benign or benign based on one or more of the following criteria: it is a conservative change, it occurs at a poorly conserved position in the protein, it is predicted to be benign by multiple in silico algorithms, and/or has population frequency not consistent with disease.

Breakthrough Genomics
Classification: Benign. Review status: criteria provided, single submitter. Criteria: ACMG Guidelines, 2015. Collection method: not provided. Allele origin: germline. Inheritance: X-linked inheritance. Affected: yes.

NM_005334.3(HCFC1):c.1085-12G>A

Gene: HCFC1 (host cell factor C1; minus strand). Cytogenetic location: Xq28.
Variant type: single nucleotide variant.
Coding change: c.1085-12G>A on transcript NM_005334.3 (MANE Select); 12 bases into the intron before coding-DNA position 1085, G replaced by A.
Molecular consequence: intron variant.
Genome position (GRCh38, 1-based): chrX:153,960,173, C>T on the plus strand (G>A on the coding strand, the complement: HCFC1 is on the minus strand). VCF-style: chrX-153960173-C-T. GRCh37 (hg19) VCF-style: chrX-153225624-C-T.
Other names: p.?.
Identifiers: ClinVar variation 287113 (VCV000287113.16), dbSNP rs3027893, ClinGen allele CA10557550.